The following is an entry in ClinVar:

NM_014727.3(KMT2B):c.6654A>C (p.Pro2218=)

Gene: KMT2B (lysine methyltransferase 2B; plus strand). Cytogenetic location: 19q13.12.
Variant type: single nucleotide variant.
Coding change: c.6654A>C on transcript NM_014727.3 (MANE Select); coding-DNA position 6654, A replaced by C.
Protein change: p.Pro2218=; no amino-acid change (proline 2218 retained).
Molecular consequence: synonymous variant.
Genome position (GRCh38, 1-based): chr19:35,733,203, A>C. VCF-style: chr19-35733203-A-C. GRCh37 (hg19) VCF-style: chr19-36224104-A-C.
Identifiers: ClinVar variation 3771813 (VCV003771813.13).

ClinVar aggregate classification (germline): Likely benign (1 of 4 stars; one submission).

Submission:

CeGaT Center for Human Genetics Tuebingen
Classification: Likely benign. Last evaluated: 2024-12-01. Review status: criteria provided, single submitter. Criteria: CeGaT Center For Human Genetics Tuebingen Variant Classification Criteria Version 2. Collection method: clinical testing. Allele origin: germline. Affected: yes. Observed: 1 variant allele.
Comment: KMT2B: PM2:Supporting, BP4, BP7